The following is an entry in ClinVar:

NM_001165963.4(SCN1A):c.4210G>A (p.Glu1404Lys)

Genes: SCN1A (sodium voltage-gated channel alpha subunit 1; minus strand), LOC102724058 (uncharacterized LOC102724058; plus strand). Cytogenetic location: 2q24.3.
Variant type: single nucleotide variant.
Coding change: c.4210G>A on transcript NM_001165963.4 (MANE Select); coding-DNA position 4210, G replaced by A.
Protein change: p.Glu1404Lys; replaces glutamic acid 1404 with lysine.
Molecular consequence: missense variant. On other transcripts: non-coding transcript variant (1).
Genome position (GRCh38, 1-based): chr2:166,002,546, C>T on the plus strand (G>A on the coding strand, the complement: SCN1A is on the minus strand). VCF-style: chr2-166002546-C-T. GRCh37 (hg19) VCF-style: chr2-166859056-C-T.
Other names: c.4126G>A, p.Glu1376Lys (NM_001165964.3, NM_001353957.2, NM_001353958.2); c.4210G>A, p.Glu1404Lys (NM_001202435.3, NM_001353948.2); c.4177G>A, p.Glu1393Lys (NM_001353949.2, NM_001353950.2, NM_001353951.2 and 2 more transcripts); c.4174G>A, p.Glu1392Lys (NM_001353954.2, NM_001353955.2); c.4123G>A, p.Glu1375Lys (NM_001353960.2); c.1768G>A, p.Glu590Lys (NM_001353961.2); short protein forms E1376K, E1392K, E1393K, E1404K, E590K, E1375K.
Identifiers: ClinVar variation 941190 (VCV000941190.10), dbSNP rs200406481, ClinGen allele CA59769738.

ClinVar aggregate classification (germline): Uncertain significance (1 of 4 stars; one submission).

Conditions:
Early-infantile DEE. Also called: Early infantile epileptic encephalopathy; Ohtahara syndrome; Early infantile epileptic encephalopathy with suppression bursts. Identifiers: Orphanet 1934, MedGen C0393706, MONDO:0800491.

Allele frequency attached by ClinVar (database versions not stated): gnomAD exomes below 0.00001; gnomAD 0.00001.
gnomAD v4.1: 6 of 1,611,622 alleles (0.00037%); highest among the groups gnomAD compares: African/African-American, 0.0013%; no homozygotes.

Submission:

Labcorp Genetics (formerly Invitae), Labcorp
Classification: Uncertain significance for Early-infantile DEE. Last evaluated: 2023-07-17. Review status: criteria provided, single submitter. Criteria: Invitae Variant Classification Sherloc (09022015). Collection method: clinical testing. Allele origin: germline.
Comment: In summary, the available evidence is currently insufficient to determine the role of this variant in disease. Therefore, it has been classified as a Variant of Uncertain Significance. Advanced modeling of protein sequence and biophysical properties (such as structural, functional, and spatial information, amino acid conservation, physicochemical variation, residue mobility, and thermodynamic stability) performed at Invitae indicates that this missense variant is not expected to disrupt SCN1A protein function. ClinVar contains an entry for this variant (Variation ID: 941190). This variant has not been reported in the literature in individuals affected with SCN1A-related conditions. The frequency data for this variant in the population databases is considered unreliable, as metrics indicate poor data quality at this position in the gnomAD database. This sequence change replaces glutamic acid, which is acidic and polar, with lysine, which is basic and polar, at codon 1404 of the SCN1A protein (p.Glu1404Lys).